The following is an entry in ClinVar:

ClinVar aggregate classification (germline): Uncertain significance (1 of 4 stars; one submission).

Allele frequency attached by ClinVar (database versions not stated): gnomAD exomes below 0.00001.
gnomAD v4.1: 4 of 1,611,662 alleles (0.00025%); highest among the groups gnomAD compares: Non-Finnish European, 0.00034%; no homozygotes.

Submission:

Labcorp Genetics (formerly Invitae), Labcorp
Classification: Uncertain significance. Last evaluated: 2023-01-26. Review status: criteria provided, single submitter. Criteria: Invitae Variant Classification Sherloc (09022015). Collection method: clinical testing. Allele origin: germline.
Comment: This sequence change replaces alanine, which is neutral and non-polar, with threonine, which is neutral and polar, at codon 391 of the RNF31 protein (p.Ala391Thr). In summary, the available evidence is currently insufficient to determine the role of this variant in disease. Therefore, it has been classified as a Variant of Uncertain Significance. Algorithms developed to predict the effect of missense changes on protein structure and function output the following: SIFT: "Tolerated"; PolyPhen-2: "Benign"; Align-GVGD: "Class C0". The threonine amino acid residue is found in multiple mammalian species, which suggests that this missense change does not adversely affect protein function. This variant has not been reported in the literature in individuals affected with RNF31-related conditions. This variant is not present in population databases (gnomAD no frequency).

NM_017999.5(RNF31):c.1171G>A (p.Ala391Thr)

Gene: RNF31 (ring finger protein 31; plus strand). Cytogenetic location: 14q12.
Variant type: single nucleotide variant.
Coding change: c.1171G>A on transcript NM_017999.5 (MANE Select); coding-DNA position 1171, G replaced by A.
Protein change: p.Ala391Thr; replaces alanine 391 with threonine.
Molecular consequence: missense variant.
Genome position (GRCh38, 1-based): chr14:24,150,422, G>A. VCF-style: chr14-24150422-G-A. GRCh37 (hg19) VCF-style: chr14-24619631-G-A.
Other names: c.718G>A, p.Ala240Thr (NM_001310332.2); short protein forms A240T, A391T.
Identifiers: ClinVar variation 2775923 (VCV002775923.3), dbSNP rs1459773925, ClinGen allele CA389292358.